The following is an entry in ClinVar:

ClinVar aggregate classification (germline): Conflicting classifications of pathogenicity. Review status: criteria provided, conflicting classifications (1 of 4 stars). 2 submissions from 2 submitters: Uncertain significance (1); Likely benign (1). Last evaluated 2025-12-28.

Conditions:
Inborn genetic diseases. Identifiers: MedGen C0950123, MeSH D030342.

Allele frequency attached by ClinVar (database versions not stated): ExAC 0.00006; TOPMed 0.00006; gnomAD 0.00008; 1000 Genomes Project 30x 0.00021; 1000 Genomes Project 0.00026.
gnomAD v4.1: 209 of 1,210,579 alleles (0.017%); highest among the groups gnomAD compares: Non-Finnish European, 0.023%; no homozygotes.

Submissions (2):

Labcorp Genetics (formerly Invitae), Labcorp
Classification: Uncertain significance. Last evaluated: 2025-12-28. Review status: criteria provided, single submitter. Criteria: Invitae Variant Classification Sherloc (09022015). Collection method: clinical testing. Allele origin: germline.
Comment: This sequence change replaces threonine, which is neutral and polar, with isoleucine, which is neutral and non-polar, at codon 428 of the AMER1 protein (p.Thr428Ile). This variant is present in population databases (rs201965033, gnomAD 0.008%), including at least one homozygous and/or hemizygous individual. This variant has not been reported in the literature in individuals affected with AMER1-related conditions. ClinVar contains an entry for this variant (Variation ID: 2148260). An algorithm developed to predict the effect of missense changes on protein structure and function outputs the following: PolyPhen-2: "Benign". The isoleucine amino acid residue is found in multiple mammalian species, which suggests that this missense change does not adversely affect protein function. In summary, the available evidence is currently insufficient to determine the role of this variant in disease. Therefore, it has been classified as a Variant of Uncertain Significance.

Ambry Genetics
Classification: Likely benign for Inborn genetic diseases. Last evaluated: 2024-11-11. Review status: criteria provided, single submitter. Criteria: Ambry Variant Classification Scheme 2023. Collection method: clinical testing. Allele origin: germline.

NM_152424.4(AMER1):c.1283C>T (p.Thr428Ile)

Gene: AMER1 (APC membrane recruitment protein 1; minus strand). Cytogenetic location: Xq11.2.
Variant type: single nucleotide variant.
Coding change: c.1283C>T on transcript NM_152424.4 (MANE Select); coding-DNA position 1283, C replaced by T.
Protein change: p.Thr428Ile; replaces threonine 428 with isoleucine.
Molecular consequence: missense variant.
Genome position (GRCh38, 1-based): chrX:64,192,004, G>A on the plus strand (C>T on the coding strand, the complement: AMER1 is on the minus strand). VCF-style: chrX-64192004-G-A. GRCh37 (hg19) VCF-style: chrX-63411884-G-A.
Other names: c.1283C>T (NM_152424.3); short protein forms T428I.
Identifiers: ClinVar variation 2148260 (VCV002148260.5), dbSNP rs201965033, ClinGen allele CA10432363.